The following is an entry in ClinVar:

NM_018149.7(SMG8):c.70G>A (p.Gly24Arg)

Gene: SMG8 (SMG8 nonsense mediated mRNA decay factor; plus strand). Cytogenetic location: 17q22.
Variant type: single nucleotide variant.
Coding change: c.70G>A on transcript NM_018149.7 (MANE Select); coding-DNA position 70, G replaced by A.
Protein change: p.Gly24Arg; replaces glycine 24 with arginine.
Molecular consequence: missense variant.
Genome position (GRCh38, 1-based): chr17:59,210,121, G>A. VCF-style: chr17-59210121-G-A. GRCh37 (hg19) VCF-style: chr17-57287482-G-A.
Other names: short protein forms G24R.
Identifiers: ClinVar variation 2634400 (VCV002634400.2), dbSNP rs186725683, ClinGen allele CA8679396.

ClinVar aggregate classification (germline): Uncertain significance. Review status: criteria provided, multiple submitters, no conflicts (2 of 4 stars). 2 submissions from 2 submitters: Uncertain significance (2). Last evaluated 2024-11-13.

Conditions:
SMG8-related disorder. Also called: SMG8-related condition.
Inborn genetic diseases. Identifiers: MedGen C0950123, MeSH D030342.

Allele frequency attached by ClinVar (database versions not stated): TOPMed 0.00002; ExAC 0.00003; gnomAD 0.00003; gnomAD exomes 0.00003; ESP Exome Variant Server 0.00008; 1000 Genomes Project 30x 0.00016; 1000 Genomes Project 0.00020.

Submissions (2):

Ambry Genetics
Classification: Uncertain significance for Inborn genetic diseases. Last evaluated: 2024-11-13. Review status: criteria provided, single submitter. Criteria: Ambry Variant Classification Scheme 2023. Collection method: clinical testing. Allele origin: germline.

PreventionGenetics, part of Exact Sciences
Classification: Uncertain significance for SMG8-related condition. Last evaluated: 2023-04-18. Review status: criteria provided, single submitter. Criteria: ACMG Guidelines, 2015. Collection method: clinical testing. Allele origin: germline.
Comment: The SMG8 c.70G>A variant is predicted to result in the amino acid substitution p.Gly24Arg. To our knowledge, this variant has not been reported in the literature. This variant is reported in 0.014% of alleles in individuals of Ashkenazi Jewish descent in gnomAD. At this time, the clinical significance of this variant is uncertain due to the absence of conclusive functional and genetic evidence.